The following is an entry in ClinVar:

NM_001127222.2(CACNA1A):c.5128A>G (p.Met1710Val)

Gene: CACNA1A (calcium voltage-gated channel subunit alpha1 A; minus strand). Cytogenetic location: 19p13.13.
Variant type: single nucleotide variant.
Coding change: c.5128A>G on transcript NM_001127222.2 (MANE Select); coding-DNA position 5128, A replaced by G.
Protein change: p.Met1710Val; replaces methionine 1710 with valine.
Molecular consequence: missense variant.
Genome position (GRCh38, 1-based): chr19:13,235,214, T>C on the plus strand (A>G on the coding strand, the complement: CACNA1A is on the minus strand). VCF-style: chr19-13235214-T-C. GRCh37 (hg19) VCF-style: chr19-13346028-T-C.
Other names: c.5146A>G, p.Met1716Val (NM_000068.4, NM_023035.3); c.5131A>G, p.Met1711Val (NM_001127221.2); c.5137A>G, p.Met1713Val (NM_001174080.2); short protein forms M1710V, M1711V, M1713V, M1716V.
Identifiers: ClinVar variation 4685035 (VCV004685035.1).

ClinVar aggregate classification (germline): Uncertain significance (1 of 4 stars; one submission).

Submission:

GeneDx
Classification: Uncertain significance. Last evaluated: 2025-07-10. Review status: criteria provided, single submitter. Criteria: GeneDx Variant Classification Process June 2021. Collection method: clinical testing. Allele origin: germline. Affected: yes.
Comment: Not observed at significant frequency in large population cohorts (gnomAD); In silico analysis supports that this missense variant has a deleterious effect on protein structure/function; Has not been previously published as pathogenic or benign to our knowledge